The following is an entry in ClinVar:

ClinVar aggregate classification (germline): Uncertain significance (1 of 4 stars; one submission).

Conditions:
Neuroblastoma, susceptibility to, 3. Also called: ALK-Related Neuroblastic Tumor Susceptibility. Identifiers: Orphanet 635, MedGen C2751681, MONDO:0013083, OMIM 613014.

gnomAD v4.1: 1 of 1,614,106 alleles (0.000062%); highest among the groups gnomAD compares: South Asian, 0.0011%; no homozygotes.

Submission:

Labcorp Genetics (formerly Invitae), Labcorp
Classification: Uncertain significance for Neuroblastoma, susceptibility to, 3. Last evaluated: 2022-12-20. Review status: criteria provided, single submitter. Criteria: Invitae Variant Classification Sherloc (09022015). Collection method: clinical testing. Allele origin: germline.
Comment: This sequence change replaces isoleucine, which is neutral and non-polar, with leucine, which is neutral and non-polar, at codon 959 of the ALK protein (p.Ile959Leu). This variant is not present in population databases (gnomAD no frequency). This variant has not been reported in the literature in individuals affected with ALK-related conditions. Algorithms developed to predict the effect of missense changes on protein structure and function are either unavailable or do not agree on the potential impact of this missense change (SIFT: "Deleterious"; PolyPhen-2: "Benign"; Align-GVGD: "Class C0"). Algorithms developed to predict the effect of sequence changes on RNA splicing suggest that this variant may disrupt the consensus splice site. In summary, the available evidence is currently insufficient to determine the role of this variant in disease. Therefore, it has been classified as a Variant of Uncertain Significance.

NM_004304.5(ALK):c.2875A>C (p.Ile959Leu)

Gene: ALK (ALK receptor tyrosine kinase; minus strand). Cytogenetic location: 2p23.2.
Variant type: single nucleotide variant.
Coding change: c.2875A>C on transcript NM_004304.5 (MANE Select); coding-DNA position 2875, A replaced by C.
Protein change: p.Ile959Leu; replaces isoleucine 959 with leucine.
Molecular consequence: missense variant.
Genome position (GRCh38, 1-based): chr2:29,227,613, T>G on the plus strand (A>C on the coding strand, the complement: ALK is on the minus strand). VCF-style: chr2-29227613-T-G. GRCh37 (hg19) VCF-style: chr2-29450479-T-G.
Other names: short protein forms I959L.
Identifiers: ClinVar variation 2822769 (VCV002822769.3), dbSNP rs748167212, ClinGen allele CA346468489.